The following is an entry in ClinVar:

NM_003193.5(TBCE):c.*108A>G

Genes: B3GALNT2 (beta-1,3-N-acetylgalactosaminyltransferase 2; minus strand), TBCE (tubulin folding cofactor E; plus strand). Cytogenetic location: 1q42.3.
Variant type: single nucleotide variant.
Coding change: c.*108A>G on transcript NM_003193.5 (MANE Select); 108 bases downstream of the stop codon, A replaced by G.
Molecular consequence: 3 prime UTR variant.
Genome position (GRCh38, 1-based): chr1:235,448,870, A>G. VCF-style: chr1-235448870-A-G. GRCh37 (hg19) VCF-style: chr1-235612185-A-G.
Other names: c.*1336T>C (NM_152490.5); c.*108A>G (NM_001079515.3, NM_001287801.2, NM_001287802.2).
Identifiers: ClinVar variation 296315 (VCV000296315.5), dbSNP rs78867315, ClinGen allele CA10610393.

ClinVar aggregate classification (germline): Likely benign (1 of 4 stars; one submission).

Conditions:
Hypoparathyroidism-retardation-dysmorphism syndrome (HRDS). Also called: SANJAD-SAKATI SYNDROME. Identifiers: Orphanet 2323, MedGen C1855840, MONDO:0009426, OMIM 241410.

Allele frequency attached by ClinVar (database versions not stated): gnomAD 0.00065 and 0.00090; TOPMed 0.00079; gnomAD exomes 0.00121; 1000 Genomes Project 0.00300; 1000 Genomes Project 30x 0.00344.
gnomAD v4.1: 974 of 846,782 alleles (0.12%); highest among the groups gnomAD compares: East Asian, 1.3%; 6 homozygotes.

Submission:

Illumina Laboratory Services, Illumina
Classification: Likely benign for Hypoparathyroidism-retardation-dysmorphism syndrome. Last evaluated: 2018-01-13. Review status: criteria provided, single submitter. Criteria: ICSL Variant Classification Criteria 13 December 2019. Collection method: clinical testing. Allele origin: germline.
Comment: This variant was observed in the ICSL laboratory as part of a predisposition screen in an ostensibly healthy population. It had not been previously curated by ICSL or reported in the Human Gene Mutation Database (HGMD: prior to June 1st, 2018), and was therefore a candidate for classification through an automated scoring system. Utilizing variant allele frequency, disease prevalence and penetrance estimates, and inheritance mode, an automated score was calculated to assess if this variant is too frequent to cause the disease. Based on the score and internal cut-off values, a variant classified as likely benign is not then subjected to further curation. The score for this variant resulted in a classification of likely benign for this disease.